The following is an entry in ClinVar:

NM_025176.6(NINL):c.3039T>C (p.Ser1013=)

Gene: NINL (ninein like; minus strand). Cytogenetic location: 20p11.21.
Variant type: single nucleotide variant.
Coding change: c.3039T>C on transcript NM_025176.6 (MANE Select); coding-DNA position 3039, T replaced by C.
Protein change: p.Ser1013=; no amino-acid change (serine 1013 retained).
Molecular consequence: synonymous variant. On other transcripts: intron variant (1).
Genome position (GRCh38, 1-based): chr20:25,476,252, A>G on the plus strand (T>C on the coding strand, the complement: NINL is on the minus strand). VCF-style: chr20-25476252-A-G. GRCh37 (hg19) VCF-style: chr20-25456888-A-G.
Other names: c.2201+2671T>C (NM_001318226.2).
Identifiers: ClinVar variation 3059348 (VCV003059348.2), dbSNP rs437635, ClinGen allele CA9797115.
Genomic context (GRCh38, chr20:25,476,252, plus strand): 5'-ACCCTGCGGGTCTGCGAGCTGGAGGTGGGATGGCAAGGACCCTCTCCTGGCAACCTCCAC[A>G]CTGTGCTTGTGACACCCAGGCTCCAGGGCGCCCTCGGCCCGGGCCTGCTGCTCCGAGGCC-3'
Protein context (NP_079452.3, residues 1003-1023): GALEPGCHKH[Ser1013=]VEVARRGSLP

ClinVar aggregate classification (germline): Benign (0 of 4 stars; one submission).

Conditions:
NINL-related disorder. Also called: NINL-related condition.

Allele frequency attached by ClinVar (database versions not stated): gnomAD exomes 0.44946; ESP Exome Variant Server 0.45887; ExAC 0.46597; TOPMed 0.46905; gnomAD 0.47105; 1000 Genomes Project 30x 0.54685; 1000 Genomes Project 0.55811.
gnomAD v4.1: 729,119 of 1,613,596 alleles (45%); highest among the groups gnomAD compares: East Asian, 92%; 171,348 homozygotes.

Submission:

PreventionGenetics, part of Exact Sciences
Classification: Benign for NINL-related condition. Last evaluated: 2021-10-13. Review status: no assertion criteria provided. Collection method: clinical testing. Allele origin: germline.
Comment: This variant is classified as benign based on ACMG/AMP sequence variant interpretation guidelines (Richards et al. 2015 PMID: 25741868, with internal and published modifications).